The following is an entry in ClinVar:

ClinVar aggregate classification (germline): Uncertain significance (1 of 4 stars; one submission).

Conditions:
Microphthalmia, isolated, with coloboma 6 (MCOPCB6). Also called: Microphthalmia with coloboma 6, digenic; Microphthalmia with coloboma 6; MICROPHTHALMIA/COLOBOMA 6. Identifiers: Orphanet 98938, MedGen C3150968, MONDO:0013376, OMIM 613703.
Leber congenital amaurosis 17 (LCA17). Identifiers: Orphanet 65, MedGen C3715164, MONDO:0014145, OMIM 615360.
Klippel-Feil syndrome 1, autosomal dominant (KFS1). Also called: CERVICAL VERTEBRAL FUSION, AUTOSOMAL DOMINANT. Identifiers: Orphanet 2345, MedGen C1861689, MONDO:0007306, OMIM 118100.
Isolated microphthalmia 4. Identifiers: Orphanet 2542, MedGen C2751307, MONDO:0013130, OMIM 613094.

gnomAD v4.1: 1 of 1,613,956 alleles (0.000062%); highest among the groups gnomAD compares: Non-Finnish European, 0.000085%; no homozygotes.

Submission:

Labcorp Genetics (formerly Invitae), Labcorp
Classification: Uncertain significance for Isolated microphthalmia 4; Leber congenital amaurosis 17; Klippel-Feil syndrome 1, autosomal dominant; Microphthalmia, isolated, with coloboma 6. Last evaluated: 2022-12-23. Review status: criteria provided, single submitter. Criteria: Invitae Variant Classification Sherloc (09022015). Collection method: clinical testing. Allele origin: germline.
Comment: Advanced modeling of protein sequence and biophysical properties (such as structural, functional, and spatial information, amino acid conservation, physicochemical variation, residue mobility, and thermodynamic stability) performed at Invitae indicates that this missense variant is not expected to disrupt GDF6 protein function. This sequence change replaces glutamic acid, which is acidic and polar, with glutamine, which is neutral and polar, at codon 445 of the GDF6 protein (p.Glu445Gln). This variant is not present in population databases (gnomAD no frequency). This variant has not been reported in the literature in individuals affected with GDF6-related conditions. ClinVar contains an entry for this variant (Variation ID: 1368768). In summary, the available evidence is currently insufficient to determine the role of this variant in disease. Therefore, it has been classified as a Variant of Uncertain Significance.

NM_001001557.4(GDF6):c.1333G>C (p.Glu445Gln)

Gene: GDF6 (growth differentiation factor 6; minus strand). Cytogenetic location: 8q22.1.
Variant type: single nucleotide variant.
Coding change: c.1333G>C on transcript NM_001001557.4 (MANE Select); coding-DNA position 1333, G replaced by C.
Protein change: p.Glu445Gln; replaces glutamic acid 445 with glutamine.
Molecular consequence: missense variant.
Genome position (GRCh38, 1-based): chr8:96,144,598, C>G on the plus strand (G>C on the coding strand, the complement: GDF6 is on the minus strand). VCF-style: chr8-96144598-C-G. GRCh37 (hg19) VCF-style: chr8-97156826-C-G.
Other names: short protein forms E445Q.
Identifiers: ClinVar variation 1368768 (VCV001368768.8), dbSNP rs1331641099, ClinGen allele CA371749429.